The following is an entry in ClinVar:

NM_001927.4(DES):c.1187T>C (p.Met396Thr)

Gene: DES (desmin; plus strand). Cytogenetic location: 2q35.
Variant type: single nucleotide variant.
Coding change: c.1187T>C on transcript NM_001927.4 (MANE Select); coding-DNA position 1187, T replaced by C.
Protein change: p.Met396Thr; replaces methionine 396 with threonine.
Molecular consequence: missense variant.
Genome position (GRCh38, 1-based): chr2:219,421,503, T>C. VCF-style: chr2-219421503-T-C. GRCh37 (hg19) VCF-style: chr2-220286225-T-C.
Other names: c.1184T>C, p.Met395Thr (NM_001382708.1); c.755T>C, p.Met252Thr (NM_001382709.1); c.1118T>C, p.Met373Thr (NM_001382710.1); c.1166T>C, p.Met389Thr (NM_001382711.1); c.1187T>C, p.Met396Thr (NM_001382712.1); c.917T>C, p.Met306Thr (NM_001382713.1); short protein forms M395T, M389T, M252T, M373T, M396T, M306T.
Identifiers: ClinVar variation 2928875 (VCV002928875.3), dbSNP rs2545255330, ClinGen allele CA350694884.
Genomic context (GRCh38, chr2:219,421,503, plus strand): 5'-ACCTCAAGGATGAGATGGCCCGCCATCTGCGCGAGTACCAGGACCTGCTCAACGTGAAGA[T>C]GGCCCTGGATGTGGAGATTGCCACCTACCGGAAGCTGCTGGAGGGAGAGGAGAGCCGGTG-3'
Protein context (NP_001918.3, residues 386-406): REYQDLLNVK[Met396Thr]ALDVEIATYR

ClinVar aggregate classification (germline): Uncertain significance (1 of 4 stars; one submission).

Conditions:
Desmin-related myofibrillar myopathy (MFM1). Also called: MYOFIBRILLAR MYOPATHY WITH ARRHYTHMOGENIC RIGHT VENTRICULAR CARDIOMYOPATHY; DESMIN-RELATED MYOPATHY WITH ARRHYTHMOGENIC RIGHT VENTRICULAR CARDIOMYOPATHY; Myofibrillar myopathy 1; Desminopathy; Desmin related myopathy (former name); Desmin storage myopathy (former name). Identifiers: Orphanet 363543, Orphanet 98909, MedGen C1832370, MONDO:0011076, OMIM 601419.

gnomAD v4.1: 1 of 1,614,046 alleles (0.000062%); highest among the groups gnomAD compares: Middle Eastern, 0.016%; no homozygotes.

Submission:

Labcorp Genetics (formerly Invitae), Labcorp
Classification: Uncertain significance for Desmin-related myofibrillar myopathy. Last evaluated: 2023-02-10. Review status: criteria provided, single submitter. Criteria: Invitae Variant Classification Sherloc (09022015). Collection method: clinical testing. Allele origin: germline.
Comment: In summary, the available evidence is currently insufficient to determine the role of this variant in disease. Therefore, it has been classified as a Variant of Uncertain Significance. Algorithms developed to predict the effect of missense changes on protein structure and function (SIFT, PolyPhen-2, Align-GVGD) all suggest that this variant is likely to be disruptive. This variant has not been reported in the literature in individuals affected with DES-related conditions. This variant is not present in population databases (gnomAD no frequency). This sequence change replaces methionine, which is neutral and non-polar, with threonine, which is neutral and polar, at codon 396 of the DES protein (p.Met396Thr).